The following is an entry in ClinVar:

ClinVar aggregate classification (germline): Uncertain significance (1 of 4 stars; one submission).

Allele frequency attached by ClinVar (database versions not stated): gnomAD exomes below 0.00001.
gnomAD v4.1: 2 of 1,613,894 alleles (0.00012%); highest among the groups gnomAD compares: Non-Finnish European, 0.00017%; no homozygotes.

Submission:

Labcorp Genetics (formerly Invitae), Labcorp
Classification: Uncertain significance. Last evaluated: 2022-12-06. Review status: criteria provided, single submitter. Criteria: Invitae Variant Classification Sherloc (09022015). Collection method: clinical testing. Allele origin: germline.
Comment: In summary, the available evidence is currently insufficient to determine the role of this variant in disease. Therefore, it has been classified as a Variant of Uncertain Significance. Advanced modeling of protein sequence and biophysical properties (such as structural, functional, and spatial information, amino acid conservation, physicochemical variation, residue mobility, and thermodynamic stability) performed at Invitae indicates that this missense variant is not expected to disrupt KMT2A protein function. This variant has not been reported in the literature in individuals affected with KMT2A-related conditions. This variant is not present in population databases (gnomAD no frequency). This sequence change replaces arginine, which is basic and polar, with serine, which is neutral and polar, at codon 1778 of the KMT2A protein (p.Arg1778Ser).

NM_001197104.2(KMT2A):c.5334G>T (p.Arg1778Ser)

Gene: KMT2A (lysine methyltransferase 2A; plus strand). Cytogenetic location: 11q23.3.
Variant type: single nucleotide variant.
Coding change: c.5334G>T on transcript NM_001197104.2 (MANE Select); coding-DNA position 5334, G replaced by T.
Protein change: p.Arg1778Ser; replaces arginine 1778 with serine.
Molecular consequence: missense variant.
Genome position (GRCh38, 1-based): chr11:118,494,738, G>T. VCF-style: chr11-118494738-G-T. GRCh37 (hg19) VCF-style: chr11-118365453-G-T.
Other names: c.5424G>T, p.Arg1808Ser (NM_001412597.1); c.5325G>T, p.Arg1775Ser (NM_005933.4); short protein forms R1775S, R1778S, R1808S.
Identifiers: ClinVar variation 1913596 (VCV001913596.5), dbSNP rs2496938325, ClinGen allele CA382837949.
Genomic context (GRCh38, chr11:118,494,738, plus strand): 5'-TTGTGTTTTCTTTTAGCAAATGGAACGTGTTTTTCCATGGTTCAGTGTCAAAAAGTCCAG[G>T]TTTTGGGAGCCAAATAAAGTATCAAGCAAGTAAGTGAATTTAGCATAACTTTTTTTTCTC-3'
Protein context (NP_001184033.1, residues 1768-1788): VFPWFSVKKS[Arg1778Ser]FWEPNKVSSN